The following is an entry in ClinVar:

ClinVar aggregate classification (germline): Uncertain significance. Review status: criteria provided, multiple submitters, no conflicts (2 of 4 stars). 2 submissions from 2 submitters: Uncertain significance (2). Last evaluated 2026-01-13.

Conditions:
Inborn genetic diseases. Identifiers: MedGen C0950123, MeSH D030342.

Allele frequency attached by ClinVar (database versions not stated): TOPMed 0.00001; gnomAD exomes 0.00002.
gnomAD v4.1: 22 of 1,609,962 alleles (0.0014%); highest among the groups gnomAD compares: Non-Finnish European, 0.00017%; no homozygotes.

Submissions (2):

Labcorp Genetics (formerly Invitae), Labcorp
Classification: Uncertain significance. Last evaluated: 2026-01-13. Review status: criteria provided, single submitter. Criteria: Invitae Variant Classification Sherloc (09022015). Collection method: clinical testing. Allele origin: germline.
Comment: This sequence change replaces serine, which is neutral and polar, with isoleucine, which is neutral and non-polar, at codon 1235 of the SAMD9 protein (p.Ser1235Ile). This variant is present in population databases (no rsID available, gnomAD 0.05%). This variant has not been reported in the literature in individuals affected with SAMD9-related conditions. ClinVar contains an entry for this variant (Variation ID: 1407797). Invitae Evidence Modeling of protein sequence and biophysical properties (such as structural, functional, and spatial information, amino acid conservation, physicochemical variation, residue mobility, and thermodynamic stability) indicates that this missense variant is not expected to disrupt SAMD9 protein function with a negative predictive value of 95%. In summary, the available evidence is currently insufficient to determine the role of this variant in disease. Therefore, it has been classified as a Variant of Uncertain Significance.

Ambry Genetics
Classification: Uncertain significance for Inborn genetic diseases. Last evaluated: 2024-11-18. Review status: criteria provided, single submitter. Criteria: Ambry Variant Classification Scheme 2023. Collection method: clinical testing. Allele origin: germline.
Comment: The p.S1235I variant (also known as c.3704G>T), located in coding exon 1 of the SAMD9 gene, results from a G to T substitution at nucleotide position 3704. The serine at codon 1235 is replaced by isoleucine, an amino acid with dissimilar properties. This amino acid position is conserved. In addition, this alteration is predicted to be tolerated by in silico analysis. Based on the available evidence, the clinical significance of this variant remains unclear.

NM_017654.4(SAMD9):c.3704G>T (p.Ser1235Ile)

Gene: SAMD9 (sterile alpha motif domain containing 9; minus strand). Cytogenetic location: 7q21.2.
Variant type: single nucleotide variant.
Coding change: c.3704G>T on transcript NM_017654.4 (MANE Select); coding-DNA position 3704, G replaced by T.
Protein change: p.Ser1235Ile; replaces serine 1235 with isoleucine.
Molecular consequence: missense variant.
Genome position (GRCh38, 1-based): chr7:93,102,394, C>A on the plus strand (G>T on the coding strand, the complement: SAMD9 is on the minus strand). VCF-style: chr7-93102394-C-A. GRCh37 (hg19) VCF-style: chr7-92731707-C-A.
Other names: c.3704G>T, p.Ser1235Ile (NM_001193307.2); c.3704G>T (NM_017654.3); short protein forms S1235I.
Identifiers: ClinVar variation 1407797 (VCV001407797.11), dbSNP rs1037288683, ClinGen allele CA161990137.